The following is an entry in ClinVar:

NM_007194.4(CHEK2):c.263del (p.Pro88fs)

Gene: CHEK2 (checkpoint kinase 2; minus strand). Cytogenetic location: 22q12.1.
Variant type: Deletion.
Coding change: c.263del on transcript NM_007194.4 (MANE Select); coding-DNA position 263, one base deleted (C; older notation c.263delC).
Protein change: p.Pro88fs; shifts the reading frame from proline 88.
Molecular consequence: frameshift variant.
Genome position (GRCh38, 1-based): chr22:28,734,459, G deleted on the plus strand (C on the coding strand, the reverse complement: CHEK2 is on the minus strand); the first of 2 consecutive G bases (chr22:28,734,459-28,734,460); deleting either gives the same sequence. VCF-style (leftmost placement, unchanged base first): chr22-28734458-AG-A. GRCh37 (hg19) VCF-style: chr22-29130446-AG-A.
Other names: c.262delC, p.Pro88Leufs (NM_001005735.3, NM_001349956.3, NM_145862.3); c.-516delC (NM_001257387.3); short protein forms P88fs.
Identifiers: ClinVar variation 2584224 (VCV002584224.2), dbSNP rs2518128379, ClinGen allele CA2582342755.

ClinVar aggregate classification (germline): Pathogenic (1 of 4 stars; one submission).

Conditions:
Familial cancer of breast. Also called: BREAST CANCER, FAMILIAL; hereditary breast carcinoma; Hereditary breast cancer. Identifiers: Orphanet 227535, MedGen C0346153, MONDO:0016419, OMIM 114480. Disease mechanism: loss of function.

Submission:

Myriad Genetics, Inc.
Classification: Pathogenic for Familial cancer of breast. Last evaluated: 2023-06-23. Review status: criteria provided, single submitter. Criteria: Myriad Autosomal Dominant, Autosomal Recessive and X-Linked Classification Criteria (2023). Collection method: clinical testing. Allele origin: unknown.
Comment: This variant is considered pathogenic. This variant creates a frameshift predicted to result in premature protein truncation.